The following is an entry in ClinVar:

ClinVar aggregate classification (germline): Pathogenic/Likely pathogenic. Review status: criteria provided, multiple submitters, no conflicts (2 of 4 stars). 2 submissions from 2 submitters: Pathogenic (1); Likely pathogenic (1). Last evaluated 2026-03-13.

Conditions:
Wilson disease (WND). Also called: Wilson's disease. Identifiers: Orphanet 905, MedGen C0019202, MONDO:0010200, OMIM 277900. Disease mechanism: loss of function.

gnomAD v4.1: 1 of 1,614,114 alleles (0.000062%); highest among the groups gnomAD compares: Non-Finnish European, 0.000085%; no homozygotes.

Submissions (2):

Women's Health and Genetics/Laboratory Corporation of America, LabCorp
Classification: Likely pathogenic for Wilson disease. Last evaluated: 2026-03-13. Review status: criteria provided, single submitter. Criteria: LabCorp Variant Classification Summary - May 2015. Collection method: clinical testing. Allele origin: germline.
Comment: Variant summary: ATP7B c.2763T>G (p.Ser921Arg) results in a non-conservative amino acid change in the encoded protein sequence. Algorithms developed to predict the effect of missense changes on protein structure and function all suggest that this variant is likely to be disruptive. The variant allele was found at a frequency of 4e-06 in 249026 control chromosomes. The available data on variant occurrences in the general population are insufficient to allow any conclusion about variant significance. To our knowledge, no occurrence of c.2763T>G in individuals affected with ATP7B-related conditions and no experimental evidence demonstrating its impact on protein function have been reported. However, a different variant resulting in the same amino acid change (c.2763T>A, p.Ser921Arg) has been been classified as pathogenic by our lab. In addition, a different variant affecting the same codon resulting in different amino acid change (c.2762G>A, p.Ser921Asn) has been classified as pathogenic by our lab, supporting the critical relevance of codon 921 to ATP7B protein function. The following publications have been ascertained in the context of this evaluation (PMID: 21796144, 23235335). ClinVar contains an entry for this variant (Variation ID: 2879092). Based on the evidence outlined above, the variant was classified as likely pathogenic.

Labcorp Genetics (formerly Invitae), Labcorp
Classification: Pathogenic for Wilson disease. Last evaluated: 2023-03-24. Review status: criteria provided, single submitter. Criteria: Invitae Variant Classification Sherloc (09022015). Collection method: clinical testing. Allele origin: germline.
Comment: This variant is present in population databases (no rsID available, gnomAD 0.0009%). For these reasons, this variant has been classified as Pathogenic. This variant disrupts the p.Ser921 amino acid residue in ATP7B. Other variant(s) that disrupt this residue have been determined to be pathogenic (PMID: 671269, 32043565; Invitae). This suggests that this residue is clinically significant, and that variants that disrupt this residue are likely to be disease-causing. Advanced modeling of protein sequence and biophysical properties (such as structural, functional, and spatial information, amino acid conservation, physicochemical variation, residue mobility, and thermodynamic stability) performed at Invitae indicates that this missense variant is expected to disrupt ATP7B protein function. This missense change has been observed in individual(s) with Wilson disease (PMID: 21796144, 23235335). This sequence change replaces serine, which is neutral and polar, with arginine, which is basic and polar, at codon 921 of the ATP7B protein (p.Ser921Arg).

Literature cited by the submitters: PubMed 671269 (cited by Labcorp Genetics (formerly Invitae), Labcorp); PubMed 32043565 (cited by Labcorp Genetics (formerly Invitae), Labcorp); PubMed 21796144 (cited by Labcorp Genetics (formerly Invitae), Labcorp); PubMed 23235335 (cited by Labcorp Genetics (formerly Invitae), Labcorp).

NM_000053.4(ATP7B):c.2763T>G (p.Ser921Arg)

Gene: ATP7B (ATPase copper transporting beta; minus strand). Cytogenetic location: 13q14.3.
Variant type: single nucleotide variant.
Coding change: c.2763T>G on transcript NM_000053.4 (MANE Select); coding-DNA position 2763, T replaced by G.
Protein change: p.Ser921Arg; replaces serine 921 with arginine.
Molecular consequence: missense variant. On other transcripts: intron variant (3).
Genome position (GRCh38, 1-based): chr13:51,949,764, A>C on the plus strand (T>G on the coding strand, the complement: ATP7B is on the minus strand). VCF-style: chr13-51949764-A-C. GRCh37 (hg19) VCF-style: chr13-52523900-A-C.
Other names: c.2277T>G, p.Ser759Arg (NM_001406542.1, NM_001406546.1, NM_001406541.1); c.2415T>G, p.Ser805Arg (NM_001406543.1); c.2181T>G, p.Ser727Arg (NM_001406544.1); c.2115T>G, p.Ser705Arg (NM_001406545.1, NM_001406547.1); c.1473T>G, p.Ser491Arg (NM_001406548.1); c.2244+243T>G (NM_001005918.3); c.2730+243T>G (NM_001406535.1, NM_001406519.1); c.2430T>G, p.Ser810Arg (NM_001243182.2); and 10 more; short protein forms S778R, S837R, S862R, S873R, S889R, S727R, S759R, S841R.
Identifiers: ClinVar variation 2879092 (VCV002879092.4), dbSNP rs1052485948, ClinGen allele CA388033818.
Genomic context (GRCh38, chr13:51,949,764, plus strand): 5'-TACAATCCATACCACCAACGTCAAAGTTGACATGATGATGATAAATGGGACAAAATATCC[A>C]CTAAACCGGTCAGCCAGCTGCTGAATGGGTGCCTATGAAAATAAAACACCAAGACCATGG-3'
Protein context (NP_000044.2, residues 911-931): APIQQLADRF[Ser921Arg]GYFVPFIIIM